The following is an entry in ClinVar:

NM_024675.4(PALB2):c.2590C>T (p.Pro864Ser)

Gene: PALB2 (partner and localizer of BRCA2; minus strand). Cytogenetic location: 16p12.2.
Variant type: single nucleotide variant.
Coding change: c.2590C>T on transcript NM_024675.4 (MANE Select); coding-DNA position 2590, C replaced by T.
Protein change: p.Pro864Ser; replaces proline 864 with serine.
Molecular consequence: missense variant.
Genome position (GRCh38, 1-based): chr16:23,626,394, G>A on the plus strand (C>T on the coding strand, the complement: PALB2 is on the minus strand). VCF-style: chr16-23626394-G-A. GRCh37 (hg19) VCF-style: chr16-23637715-G-A.
Other names: p.P864S:CCT>TCT; short protein forms P864S.
Identifiers: ClinVar variation 126669 (VCV000126669.101), dbSNP rs45568339, ClinGen allele CA151233.

ClinVar aggregate classification (germline): Benign/Likely benign. Review status: criteria provided, multiple submitters, no conflicts (2 of 4 stars). 37 submissions from 37 submitters: Benign (12); Likely benign (12). 13 of the submissions do not count toward it. Last evaluated 2026-08-01.

Conditions:
Breast-ovarian cancer, familial, susceptibility to, 5 (BROVCA5). Identifiers: MedGen C5830615, MONDO:0957530, OMIM 620442.
Familial cancer of breast. Also called: hereditary breast carcinoma; BREAST CANCER, FAMILIAL; Hereditary breast cancer. Identifiers: Orphanet 227535, MedGen C0346153, MONDO:0016419, OMIM 114480. Disease mechanism: loss of function.
Fanconi anemia complementation group N. Also called: PALB2-Related Fanconi Anemia. Identifiers: Orphanet 84, MedGen C1835817, MONDO:0012565, OMIM 610832. Disease mechanism: loss of function.
Pancreatic cancer, susceptibility to, 3. Identifiers: Orphanet 1333, MedGen C3150547, MONDO:0013236, OMIM 613348.
Breast and/or ovarian cancer. Identifiers: MedGen CN221562.
Hereditary cancer-predisposing syndrome. Also called: Neoplastic Syndromes, Hereditary; Hereditary Cancer Syndrome; Tumor predisposition; Hereditary neoplastic syndrome. Identifiers: Orphanet 140162, MedGen C0027672, MeSH D009386, MONDO:0015356.
Breast carcinoma. Also called: Carcinoma of breast. Identifiers: MedGen C0678222, MONDO:0004989, HP:0003002.
Malignant tumor of breast. Also called: Malignant breast neoplasm; Cancer breast. Identifiers: MedGen C0006142, MONDO:0007254. Disease mechanism: loss of function.

Allele frequency attached by ClinVar (database versions not stated): 1000 Genomes Project 0.00120; 1000 Genomes Project 30x 0.00141; ESP Exome Variant Server 0.00239; ExAC 0.00266; gnomAD 0.00275 and 0.00287; gnomAD exomes 0.00284 and 0.00347; TOPMed 0.00304.

Submissions 1 to 26 of 37:

CeGaT Center for Human Genetics Tuebingen
Classification: Likely benign. Last evaluated: 2026-08-01. Review status: criteria provided, single submitter. Criteria: CeGaT Center For Human Genetics Tuebingen Variant Classification Criteria Version 2. Collection method: clinical testing. Allele origin: germline. Affected: yes. Observed: 74 variant alleles.
Comment: PALB2: BP4

Labcorp Genetics (formerly Invitae), Labcorp
Classification: Benign for Familial cancer of breast. Last evaluated: 2026-02-03. Review status: criteria provided, single submitter. Criteria: Invitae Variant Classification Sherloc (09022015). Collection method: clinical testing. Allele origin: germline.

Laboratorio de I+D, Fundación Centro Médico de Asturias
Classification: Benign for Hereditary cancer-predisposing syndrome. Last evaluated: 2025-07-13. Review status: criteria provided, single submitter. Criteria: ACMG Guidelines, 2015. Collection method: clinical testing. Allele origin: germline.
Comment: BS1+BS2+BP4_Moderate+BP1

ARUP Laboratories, Molecular Genetics and Genomics, ARUP Laboratories
Classification: Benign. Last evaluated: 2025-05-20. Review status: criteria provided, single submitter. Criteria: ARUP Molecular Germline Variant Investigation Process 2024. Collection method: clinical testing. Allele origin: germline.

Mayo Clinic Laboratories, Mayo Clinic
Classification: Likely benign. Last evaluated: 2025-05-20. Review status: criteria provided, single submitter. Criteria: ACMG Guidelines, 2015. Collection method: clinical testing. Allele origin: germline. Observed: 7 variant alleles.
Comment: BS1, BP4

Center for Genomic Medicine, Rigshospitalet, Copenhagen University Hospital
Classification: Likely benign. Last evaluated: 2025-03-04. Review status: criteria provided, single submitter. Criteria: ACMG Guidelines, 2015. Collection method: clinical testing. Allele origin: germline.

Myriad Genetics, Inc.
Classification: Benign for Familial cancer of breast. Last evaluated: 2025-01-17. Review status: criteria provided, single submitter. Criteria: Myriad Autosomal Dominant, Autosomal Recessive and X-Linked Classification Criteria (2023). Collection method: clinical testing. Allele origin: unknown.
Comment: This variant is considered benign. This variant has been observed at a population frequency that is significantly greater than expected given the associated disease prevalence and penetrance. Homozygosity for this variant has been confirmed in one or more individuals lacking clinical features consistent with gene-specific recessive disease, indicating that this variant is unlikely to be pathogenic.

Blueprint Genetics
Classification: Likely benign. Last evaluated: 2024-11-26. Review status: criteria provided, single submitter. Criteria: ACMG Guidelines, 2015. Collection method: clinical testing. Allele origin: germline.

Color Diagnostics, LLC DBA Color Health
Classification: Benign for Hereditary cancer-predisposing syndrome. Last evaluated: 2024-03-06. Review status: criteria provided, single submitter. Criteria: ACMG Guidelines, 2015. Collection method: clinical testing. Allele origin: germline.

KCCC/NGS Laboratory, Kuwait Cancer Control Center
Classification: Benign for Breast-ovarian cancer, familial, susceptibility to, 5. Last evaluated: 2023-07-07. Review status: criteria provided, single submitter. Criteria: ACMG Guidelines, 2015. Collection method: clinical testing. Allele origin: germline. Affected: yes.

Quest Diagnostics Nichols Institute San Juan Capistrano
Classification: Benign. Last evaluated: 2022-06-17. Review status: criteria provided, single submitter. Criteria: Quest Diagnostics criteria. Collection method: clinical testing. Allele origin: unknown.

Fulgent Genetics
Classification: Likely benign for Familial cancer of breast; Fanconi anemia complementation group N; Pancreatic cancer, susceptibility to, 3. Last evaluated: 2022-05-17. Review status: criteria provided, single submitter. Criteria: ACMG Guidelines, 2015. Collection method: clinical testing. Allele origin: unknown.

Institute for Clinical Genetics, University Hospital TU Dresden, University Hospital TU Dresden
Classification: Likely benign. Last evaluated: 2021-11-03. Review status: criteria provided, single submitter. Criteria: ACMG Guidelines, 2015. Collection method: clinical testing. Allele origin: germline.

CHEO Genetics Diagnostic Laboratory, Children's Hospital of Eastern Ontario
Classification: Benign for Breast and/or ovarian cancer. Last evaluated: 2021-07-27. Review status: criteria provided, single submitter. Criteria: ACMG Guidelines, 2015. Collection method: clinical testing. Allele origin: germline.

Genetic Services Laboratory, University of Chicago
Classification: Benign. Last evaluated: 2019-11-29. Review status: criteria provided, single submitter. Criteria: ACMG Guidelines, 2015. Collection method: clinical testing. Allele origin: germline. Affected: no.

Mendelics
Classification: Likely benign for Familial cancer of breast. Last evaluated: 2019-05-28. Review status: criteria provided, single submitter. Criteria: Mendelics Assertion Criteria 2017. Collection method: clinical testing. Allele origin: unknown.

GeneDx
Classification: Benign. Last evaluated: 2019-05-22. Review status: criteria provided, single submitter. Criteria: GeneDx Variant Classification Process June 2021. Collection method: clinical testing. Allele origin: germline. Affected: yes.
Comment: This variant is associated with the following publications: (PMID: 26564480, 28279176, 30521987, 25794774, 25666743, 20589654, 23448497, 23935836, 22052327, 22241545, 20852946, 21365267, 21618343, 21932393, 23824750, 18302019, 24728327, 24949998, 20722467, 26283626, 17200668, 26898890, 27153395, 29052111, 28717660, 29458332, 31757951, 31586400, 31636395)

Center for Pediatric Genomic Medicine, Children's Mercy Hospital and Clinics
Classification: Likely benign. Last evaluated: 2017-04-27. Review status: criteria provided, single submitter. Criteria: ACMG Guidelines, 2015. Collection method: clinical testing. Allele origin: germline.

Illumina Laboratory Services, Illumina
Classification: Likely benign for Fanconi anemia complementation group N. Last evaluated: 2017-04-27. Review status: criteria provided, single submitter. Criteria: ICSL Variant Classification Criteria 13 December 2019. Collection method: clinical testing. Allele origin: germline.
Comment: This variant was observed as part of a predisposition screen in an ostensibly healthy population. A literature search was performed for the gene, cDNA change, and amino acid change (where applicable). No publications were found based on this search. Allele frequency data from public databases allowed determination this variant is unlikely to cause disease. Therefore, this variant is classified as likely benign.

PreventionGenetics, part of Exact Sciences
Classification: Benign. Last evaluated: 2016-11-23. Review status: criteria provided, single submitter. Criteria: ACMG Guidelines, 2015. Collection method: clinical testing. Allele origin: germline.

Vantari Genetics
Classification: Likely benign for Hereditary cancer-predisposing syndrome. Last evaluated: 2015-10-07. Review status: criteria provided, single submitter. Criteria: ACMG Guidelines, 2015. Collection method: clinical testing. Allele origin: germline.

Cancer Genetics Laboratory, Peter MacCallum Cancer Centre
Classification: Likely benign for Familial cancer of breast. Last evaluated: 2015-06-01. Review status: criteria provided, single submitter. Criteria: Thompson et al. (Breast Cancer Res. 2015). Collection method: case-control. Allele origin: germline. Affected: yes and no. Observed: 35 variant alleles, 35 heterozygotes.

Ambry Genetics
Classification: Benign for Hereditary cancer-predisposing syndrome. Last evaluated: 2014-07-11. Review status: criteria provided, single submitter. Criteria: Ambry Variant Classification Scheme 2023. Collection method: clinical testing. Allele origin: germline.

Breakthrough Genomics
Classification: Likely benign. Review status: criteria provided, single submitter. Criteria: ACMG Guidelines, 2015. Collection method: not provided. Allele origin: germline. Inheritance: Autosomal dominant inheritance. Affected: yes.

Medical Genetics Laboratory, Umraniye Training and Research Hospital, University of Health Sciences
Classification: Uncertain significance for Breast carcinoma. Last evaluated: 2021-08-19. Review status: no assertion criteria provided. Collection method: clinical testing. Allele origin: germline. Affected: yes. Observed: 1 variant allele, 1 heterozygote. Not counted in ClinVar's aggregate classification.
Comment: Invasive Ductal Carcinoma Estrogen Receptor: Positive Progesterone Receptor: Positive HER2 Receptor: Negative

Leiden Open Variation Database
Classification: Likely benign. Last evaluated: 2019-05-13. Review status: no assertion criteria provided. Collection method: curation. Allele origin: germline. Affected: no. Not counted in ClinVar's aggregate classification.
Comment: Curators: Marc Tischkowitz, Arleen D. Auerbach. Submitters to LOVD: Marc Tischkowitz, Melissa DeRycke.